The following is an entry in ClinVar:

ClinVar aggregate classification (germline): Uncertain significance. Review status: criteria provided, multiple submitters, no conflicts (2 of 4 stars). 2 submissions from 2 submitters: Uncertain significance (2). Last evaluated 2025-01-23.

Conditions:
Inborn genetic diseases. Identifiers: MedGen C0950123, MeSH D030342.

gnomAD v4.1: 22 of 1,590,144 alleles (0.0014%); highest among the groups gnomAD compares: Non-Finnish European, 0.0018%; no homozygotes.

Submissions (2):

Ambry Genetics
Classification: Uncertain significance for Inborn genetic diseases. Last evaluated: 2025-01-23. Review status: criteria provided, single submitter. Criteria: Ambry Variant Classification Scheme 2023. Collection method: clinical testing. Allele origin: germline.

Labcorp Genetics (formerly Invitae), Labcorp
Classification: Uncertain significance. Last evaluated: 2022-09-19. Review status: criteria provided, single submitter. Criteria: Invitae Variant Classification Sherloc (09022015). Collection method: clinical testing. Allele origin: germline.
Comment: In summary, the available evidence is currently insufficient to determine the role of this variant in disease. Therefore, it has been classified as a Variant of Uncertain Significance. Algorithms developed to predict the effect of missense changes on protein structure and function output the following: SIFT: "Tolerated"; PolyPhen-2: "Benign"; Align-GVGD: "Class C0". The proline amino acid residue is found in multiple mammalian species, which suggests that this missense change does not adversely affect protein function. ClinVar contains an entry for this variant (Variation ID: 1489302). This variant has not been reported in the literature in individuals affected with MPDZ-related conditions. This variant is present in population databases (rs372204991, gnomAD 0.002%). This sequence change replaces arginine, which is basic and polar, with proline, which is neutral and non-polar, at codon 1602 of the MPDZ protein (p.Arg1602Pro).

NM_001378778.1(MPDZ):c.4805G>C (p.Arg1602Pro)

Gene: MPDZ (multiple PDZ domain crumbs cell polarity complex component; minus strand). Cytogenetic location: 9p23.
Variant type: single nucleotide variant.
Coding change: c.4805G>C on transcript NM_001378778.1 (MANE Select); coding-DNA position 4805, G replaced by C.
Protein change: p.Arg1602Pro; replaces arginine 1602 with proline.
Molecular consequence: missense variant.
Genome position (GRCh38, 1-based): chr9:13,125,218, C>G on the plus strand (G>C on the coding strand, the complement: MPDZ is on the minus strand). VCF-style: chr9-13125218-C-G. GRCh37 (hg19) VCF-style: chr9-13125217-C-G.
Other names: c.4706G>C, p.Arg1569Pro (NM_001261406.2, NM_001261407.2, NM_001375416.1 and 3 more transcripts); c.4805G>C, p.Arg1602Pro (NM_001330637.2, NM_003829.5); c.4904G>C, p.Arg1635Pro (NM_001375413.1); c.4595G>C, p.Arg1532Pro (NM_001375420.1, NM_001375421.1, NM_001375422.1 and 4 more transcripts); c.4397G>C, p.Arg1466Pro (NM_001375427.1); c.4805G>C (NM_003829.3); short protein forms R1602P, R1635P, R1532P, R1466P, R1569P.
Identifiers: ClinVar variation 1489302 (VCV001489302.9), dbSNP rs372204991, ClinGen allele CA4986577.
Genomic context (GRCh38, chr9:13,125,218, plus strand): 5'-CTCTGCTGAGTTCAGGTGTTCCATATGTGCAGGACTCTCATGAGTCCAGAGGCCTTACTT[C>G]GGATGGACTCCGGTTCTGGGGAGCCAGACTGTGGGACCATCAGAGACTGGGAGCTGTTCT-3'
Protein context (NP_001365707.1, residues 1592-1612): QSGSPEPESI[Arg1602Pro]NTSRSSTPAI